The following is an entry in ClinVar:

NM_032119.4(ADGRV1):c.12195A>G (p.Gly4065=)

Gene: ADGRV1 (adhesion G protein-coupled receptor V1; plus strand). Cytogenetic location: 5q14.3.
Variant type: single nucleotide variant.
Coding change: c.12195A>G on transcript NM_032119.4 (MANE Select); coding-DNA position 12195, A replaced by G.
Protein change: p.Gly4065=; no amino-acid change (glycine 4065 retained).
Molecular consequence: synonymous variant. On other transcripts: non-coding transcript variant (1).
Genome position (GRCh38, 1-based): chr5:90,763,379, A>G. VCF-style: chr5-90763379-A-G. GRCh37 (hg19) VCF-style: chr5-90059196-A-G.
Identifiers: ClinVar variation 796247 (VCV000796247.13), dbSNP rs181712943, ClinGen allele CA3341171.
Genomic context (GRCh38, chr5:90,763,379, plus strand): 5'-ATCCCTTTCATCCGATGACCCTGATTCATATGTGACATTGACGGTTGTCCGGTCCCCAGG[A>G]GGAAAAGGAACCGTCCGACTTGAGTGGACCATAGATGAGAAGGCTAAACATAACCTTAGT-3'
Protein context (NP_115495.3, residues 4055-4075): YVTLTVVRSP[Gly4065=]GKGTVRLEWT

ClinVar aggregate classification (germline): Benign/Likely benign. Review status: criteria provided, multiple submitters, no conflicts (2 of 4 stars). 3 submissions from 3 submitters: Benign (1); Likely benign (2). Last evaluated 2025-05-17.

Conditions:
ADGRV1-related disorder. Also called: ADGRV1-related disorders; ADGRV1-related condition.

Allele frequency attached by ClinVar (database versions not stated): gnomAD 0.00006 and 0.00007; TOPMed 0.00011; 1000 Genomes Project 30x 0.00047; 1000 Genomes Project 0.00060.
gnomAD v4.1: 71 of 1,613,028 alleles (0.0044%); highest among the groups gnomAD compares: East Asian, 0.15%; 1 homozygote.

Submissions (3):

PreventionGenetics, part of Exact Sciences
Classification: Likely benign for ADGRV1-related condition. Last evaluated: 2025-05-17. Review status: criteria provided, single submitter. Criteria: ACMG Guidelines, 2015. Collection method: clinical testing. Allele origin: germline.
Comment: This variant is classified as likely benign based on ACMG/AMP sequence variant interpretation guidelines (Richards et al. 2015 PMID: 25741868, with internal and published modifications).

Labcorp Genetics (formerly Invitae), Labcorp
Classification: Benign. Last evaluated: 2024-10-17. Review status: criteria provided, single submitter. Criteria: Invitae Variant Classification Sherloc (09022015). Collection method: clinical testing. Allele origin: germline.

Blueprint Genetics
Classification: Likely benign. Last evaluated: 2022-09-30. Review status: criteria provided, single submitter. Criteria: ACMG Guidelines, 2015. Collection method: clinical testing. Allele origin: germline.